The following is an entry in ClinVar:

NM_001127208.3(TET2):c.2963_2981dup (p.His994fs)

Genes: TET2 (tet methylcytosine dioxygenase 2; plus strand), TET2-AS1 (TET2 antisense RNA 1; minus strand). Cytogenetic location: 4q24.
Variant type: Duplication.
Coding change: c.2963_2981dup on transcript NM_001127208.3 (MANE Select); coding-DNA positions 2963 to 2981, 19 bases duplicated (AGCCACATGCCTGTATGCA).
Protein change: p.His994fs; shifts the reading frame from histidine 994.
Molecular consequence: frameshift variant.
Genome position (GRCh38, 1-based): chr4:105,236,905-105,236,923, AGCCACATGCCTGTATGCA duplicated; duplicating any 19 consecutive bases within chr4:105,236,900-105,236,923 gives the same sequence; the c. name uses the placement nearest the transcript's 3' end. VCF-style (leftmost placement, unchanged base first): chr4-105236899-G-GATGCAAGCCACATGCCTGT. GRCh37 (hg19) VCF-style: chr4-106158056-G-GATGCAAGCCACATGCCTGT.
Other names: c.2963_2981dup, p.His994fs (NM_017628.4); short protein forms H994fs.
Identifiers: ClinVar variation 4714911 (VCV004714911.1).
Genomic context (GRCh38, chr4:105,236,899, plus strand): 5'-AGCAACCCCAAACTGAGTCTTGCCATAGTCAGATGCACAGGCCAATTAAGGTGGAACCTG[G>GATGCAAGCCACATGCCTGT]ATGCAAGCCACATGCCTGTATGCACACAGCACCACCAGAAAACAAAACATGGAAAAAGGT-3'

ClinVar aggregate classification (germline): Pathogenic (1 of 4 stars; one submission).

Submission:

Labcorp Genetics (formerly Invitae), Labcorp
Classification: Pathogenic. Last evaluated: 2025-03-11. Review status: criteria provided, single submitter. Criteria: Invitae Variant Classification Sherloc (09022015). Collection method: clinical testing. Allele origin: germline.
Comment: This sequence change creates a premature translational stop signal (p.His994Glnfs*21) in the TET2 gene. It is expected to result in an absent or disrupted protein product. Loss-of-function variants in TET2 are known to be pathogenic (PMID: 36066697). This variant is not present in population databases (gnomAD no frequency). This variant has not been reported in the literature in individuals affected with TET2-related conditions. For these reasons, this variant has been classified as Pathogenic.

Literature cited by the submitters: PubMed 36066697.